The following is an entry in ClinVar:

NM_014806.5(RUSC2):c.3133C>T (p.Arg1045Cys)

Gene: RUSC2 (RUN and SH3 domain containing 2; plus strand). Cytogenetic location: 9p13.3.
Variant type: single nucleotide variant.
Coding change: c.3133C>T on transcript NM_014806.5 (MANE Select); coding-DNA position 3133, C replaced by T.
Protein change: p.Arg1045Cys; replaces arginine 1045 with cysteine.
Molecular consequence: missense variant. On other transcripts: non-coding transcript variant (1).
Genome position (GRCh38, 1-based): chr9:35,558,269, C>T. VCF-style: chr9-35558269-C-T. GRCh37 (hg19) VCF-style: chr9-35558266-C-T.
Other names: c.3133C>T, p.Arg1045Cys (NM_001135999.2); c.499C>T, p.Arg167Cys (NM_001330740.2); c.3133C>T (NM_001135999.1); short protein forms R1045C, R167C.
Identifiers: ClinVar variation 1363066 (VCV001363066.5), dbSNP rs753525585, ClinGen allele CA5044062.

ClinVar aggregate classification (germline): Uncertain significance. Review status: criteria provided, multiple submitters, no conflicts (2 of 4 stars). 2 submissions from 2 submitters: Uncertain significance (2). Last evaluated 2025-05-27.

Allele frequency attached by ClinVar (database versions not stated): gnomAD exomes 0.00001; ExAC 0.00001; TOPMed 0.00001.
gnomAD v4.1: 18 of 1,614,116 alleles (0.0011%); highest among the groups gnomAD compares: East Asian, 0.011%; no homozygotes.

Submissions (2):

Labcorp Genetics (formerly Invitae), Labcorp
Classification: Uncertain significance. Last evaluated: 2025-05-27. Review status: criteria provided, single submitter. Criteria: Invitae Variant Classification Sherloc (09022015). Collection method: clinical testing. Allele origin: germline.
Comment: This sequence change replaces arginine, which is basic and polar, with cysteine, which is neutral and slightly polar, at codon 1045 of the RUSC2 protein (p.Arg1045Cys). This variant is present in population databases (rs753525585, gnomAD 0.02%). This variant has not been reported in the literature in individuals affected with RUSC2-related conditions. ClinVar contains an entry for this variant (Variation ID: 1363066). An algorithm developed to predict the effect of missense changes on protein structure and function (PolyPhen-2) suggests that this variant is likely to be disruptive. In summary, the available evidence is currently insufficient to determine the role of this variant in disease. Therefore, it has been classified as a Variant of Uncertain Significance.

Ambry Genetics
Classification: Uncertain significance. Last evaluated: 2024-11-25. Review status: criteria provided, single submitter. Criteria: Ambry Variant Classification Scheme 2023. Collection method: clinical testing. Allele origin: germline.